The following is an entry in ClinVar:

ClinVar aggregate classification (germline): Pathogenic. Review status: criteria provided, multiple submitters, no conflicts (2 of 4 stars). 6 submissions from 6 submitters: Pathogenic (5). 1 of the submissions does not count toward it. Last evaluated 2024-10-24.

Conditions:
Hereditary spastic paraplegia 7 (SPG7). Also called: Spastic paraplegia 7; Hereditary spastic paraplegia Paraplegin type; Autosomal recessive spastic paraplegia type 7; SPASTIC PARAPLEGIA 7, AUTOSOMAL RECESSIVE, WITH OR WITHOUT CEREBELLAR ATAXIA; SPG7-related neurologic disorder. Identifiers: Orphanet 99013, MedGen C1846564, MONDO:0011803, OMIM 607259.

Submissions (6):

Women's Health and Genetics/Laboratory Corporation of America, LabCorp
Classification: Pathogenic for Hereditary spastic paraplegia 7. Last evaluated: 2024-10-24. Review status: criteria provided, single submitter. Criteria: LabCorp Variant Classification Summary - May 2015. Collection method: clinical testing. Allele origin: germline.
Comment: Variant summary: SPG7 c.2216dupA (p.Asn739LysfsX3) results in a premature termination codon, predicted to cause a truncation of the encoded protein or absence of the protein due to nonsense mediated decay, which are commonly known mechanisms for disease. The variant allele was found at a frequency of 8e-06 in 251282 control chromosomes. c.2216dupA has been reported in the literature in multiple homozygous and compound heterozygous individuals affected with Hereditary Spastic Paraplegia 7 (Casari_1998, Klebe_2012, Bonn_2010). These data indicate that the variant is very likely to be associated with disease. To our knowledge, no experimental evidence demonstrating an impact on protein function has been reported. The following publications have been ascertained in the context of this evaluation (PMID: 20186691, 9635427, 23065789). ClinVar contains an entry for this variant (Variation ID: 871225). Based on the evidence outlined above, the variant was classified as pathogenic.

Labcorp Genetics (formerly Invitae), Labcorp
Classification: Pathogenic for Hereditary spastic paraplegia 7. Last evaluated: 2024-05-15. Review status: criteria provided, single submitter. Criteria: Invitae Variant Classification Sherloc (09022015). Collection method: clinical testing. Allele origin: germline.
Comment: This sequence change creates a premature translational stop signal (p.Asn739Lysfs*3) in the SPG7 gene. While this is not anticipated to result in nonsense mediated decay, it is expected to disrupt the last 57 amino acid(s) of the SPG7 protein. This variant is present in population databases (rs763126378, gnomAD 0.002%). This premature translational stop signal has been observed in individuals with autosomal recessive hereditary spastic paraplegia (PMID: 9635427, 20186691, 23065789). This variant is also known as 2228insA, c.2215_2216insA, or p.N739KfsX741. ClinVar contains an entry for this variant (Variation ID: 871225). Algorithms developed to predict the effect of variants on gene product structure and function are not available or were not evaluated for this variant. Experimental studies have shown that this premature translational stop signal affects SPG7 function (PMID: 20186691). For these reasons, this variant has been classified as Pathogenic.

PROSPAX: an integrated multimodal progression  chart in spastic ataxias, Center for Neurology; Hertie-Institute for Clinical Brain Research
Classification: Pathogenic for Hereditary spastic paraplegia 7. Last evaluated: 2022-01-01. Review status: criteria provided, single submitter. Criteria: ACMG Guidelines, 2015. Collection method: research. Allele origin: germline. Affected: yes. Observed: 3 variant alleles, 3 compound heterozygotes.

Institute for Clinical Genetics, University Hospital TU Dresden, University Hospital TU Dresden
Classification: Pathogenic. Last evaluated: 2021-11-03. Review status: criteria provided, single submitter. Criteria: ACMG Guidelines, 2015. Collection method: clinical testing. Allele origin: germline.

CeGaT Center for Human Genetics Tuebingen
Classification: Pathogenic. Last evaluated: 2018-06-01. Review status: criteria provided, single submitter. Criteria: CeGaT Center For Human Genetics Tuebingen Variant Classification Criteria Version 2. Collection method: clinical testing. Allele origin: germline. Affected: yes. Observed: 1 variant allele.

OMIM
Classification: Pathogenic for SPASTIC PARAPLEGIA 7, AUTOSOMAL RECESSIVE, WITH CEREBELLAR ATAXIA. Last evaluated: 1998-06-12. Review status: no assertion criteria provided. Collection method: literature only. Allele origin: germline. Not counted in ClinVar's aggregate classification.

Literature cited by the submitters: PubMed 23065789 (cited by Women's Health and Genetics/Laboratory Corporation of America, LabCorp and Labcorp Genetics (formerly Invitae), Labcorp); PubMed 20186691 (cited by Women's Health and Genetics/Laboratory Corporation of America, LabCorp and Labcorp Genetics (formerly Invitae), Labcorp); PubMed 9635427 (cited by 3 submitters).

NM_003119.4(SPG7):c.2216dup (p.Asn739fs)

Gene: SPG7 (SPG7 matrix AAA peptidase subunit, paraplegin; plus strand). Cytogenetic location: 16q24.3.
Variant type: Duplication.
Coding change: c.2216dup on transcript NM_003119.4 (MANE Select); coding-DNA position 2216, one base duplicated (A; older notation c.2216dupA).
Protein change: p.Asn739fs; shifts the reading frame from asparagine 739.
Molecular consequence: frameshift variant.
Genome position (GRCh38, 1-based): chr16:89,556,921, A duplicated; the last of 3 consecutive A bases (chr16:89,556,919-89,556,921); duplicating any one gives the same sequence. VCF-style (leftmost placement, unchanged base first): chr16-89556918-T-TA. GRCh37 (hg19) VCF-style: chr16-89623326-T-TA.
Other names: c.2424dup, p.Leu809fs (NM_001363850.1); c.2216dupA (NM_003119.4); short protein forms N739fs, L809fs.
Identifiers: ClinVar variation 871225 (VCV000871225.49), dbSNP rs763126378, ClinGen allele CA8244624.